The following is an entry in ClinVar:

NM_001365480.1(CCDC88A):c.2727+5A>G

Gene: CCDC88A (coiled-coil domain containing 88A; minus strand). Cytogenetic location: 2p16.1.
Variant type: single nucleotide variant.
Coding change: c.2727+5A>G on transcript NM_001365480.1 (MANE Select); 5 bases into the intron after coding-DNA position 2727, A replaced by G.
Molecular consequence: intron variant.
Genome position (GRCh38, 1-based): chr2:55,334,089, T>C on the plus strand (A>G on the coding strand, the complement: CCDC88A is on the minus strand). VCF-style: chr2-55334089-T-C. GRCh37 (hg19) VCF-style: chr2-55561225-T-C.
Other names: c.2727+5A>G (NM_001254943.2, NM_001135597.2, NM_018084.5).
Identifiers: ClinVar variation 1394931 (VCV001394931.3), dbSNP rs373462562, ClinGen allele CA1665948.

ClinVar aggregate classification (germline): Uncertain significance (1 of 4 stars; one submission).

Allele frequency attached by ClinVar (database versions not stated): gnomAD exomes 0.00001 and 0.00002; ExAC 0.00002; ESP Exome Variant Server 0.00015; TOPMed 0.00021; gnomAD 0.00024.

Submission:

Labcorp Genetics (formerly Invitae), Labcorp
Classification: Uncertain significance. Last evaluated: 2022-09-27. Review status: criteria provided, single submitter. Criteria: Invitae Variant Classification Sherloc (09022015). Collection method: clinical testing. Allele origin: germline.
Comment: This sequence change falls in intron 15 of the CCDC88A gene. It does not directly change the encoded amino acid sequence of the CCDC88A protein. It affects a nucleotide within the consensus splice site. This variant is present in population databases (rs373462562, gnomAD 0.05%). This variant has not been reported in the literature in individuals affected with CCDC88A-related conditions. ClinVar contains an entry for this variant (Variation ID: 1394931). Variants that disrupt the consensus splice site are a relatively common cause of aberrant splicing (PMID: 17576681, 9536098). Algorithms developed to predict the effect of sequence changes on RNA splicing suggest that this variant is not likely to affect RNA splicing. In summary, the available evidence is currently insufficient to determine the role of this variant in disease. Therefore, it has been classified as a Variant of Uncertain Significance.

Literature cited by the submitters: PubMed 17576681; PubMed 9536098.